The following is an entry in ClinVar:

NM_024301.5(FKRP):c.1384C>A (p.Pro462Thr)

Gene: FKRP (fukutin related protein; plus strand). Cytogenetic location: 19q13.32.
Variant type: single nucleotide variant.
Coding change: c.1384C>A on transcript NM_024301.5 (MANE Select); coding-DNA position 1384, C replaced by A.
Protein change: p.Pro462Thr; replaces proline 462 with threonine.
Molecular consequence: missense variant.
Genome position (GRCh38, 1-based): chr19:46,756,834, C>A. VCF-style: chr19-46756834-C-A. GRCh37 (hg19) VCF-style: chr19-47260091-C-A.
Other names: c.1384C>A, p.Pro462Thr (NM_001039885.3); short protein forms P462T.
Identifiers: ClinVar variation 3896261 (VCV003896261.2).

ClinVar aggregate classification (germline): Uncertain significance (1 of 4 stars; one submission).

Submission:

Women's Health and Genetics/Laboratory Corporation of America, LabCorp
Classification: Uncertain significance. Last evaluated: 2025-04-15. Review status: criteria provided, single submitter. Criteria: LabCorp Variant Classification Summary - May 2015. Collection method: clinical testing. Allele origin: germline.
Comment: Variant summary: FKRP c.1384C>A (p.Pro462Thr) results in a non-conservative amino acid change in the encoded protein sequence. Five of five in-silico tools predict a damaging effect of the variant on protein function. The variant was absent in 221310 control chromosomes. The available data on variant occurrences in the general population are insufficient to allow any conclusion about variant significance. To our knowledge, no occurrence of c.1384C>A in individuals affected with Limb-Girdle Muscular Dystrophy, Autosomal Recessive and no experimental evidence demonstrating its impact on protein function have been reported. A different variant affecting the same codon has been classified as pathogenic by our lab (c.1384C>T, p.Pro462Ser), supporting the critical relevance of codon 462 to FKRP protein function. No submitters have cited clinical-significance assessments for this variant to ClinVar. Based on the evidence outlined above, the variant was classified as uncertain significance.